The following is an entry in ClinVar:

NM_005502.4(ABCA1):c.4281G>A (p.Thr1427=)

Gene: ABCA1 (ATP binding cassette subfamily A member 1; minus strand). Cytogenetic location: 9q31.1.
Variant type: single nucleotide variant.
Coding change: c.4281G>A on transcript NM_005502.4 (MANE Select); coding-DNA position 4281, G replaced by A.
Protein change: p.Thr1427=; no amino-acid change (threonine 1427 retained).
Molecular consequence: synonymous variant.
Genome position (GRCh38, 1-based): chr9:104,806,424, C>T on the plus strand (G>A on the coding strand, the complement: ABCA1 is on the minus strand). VCF-style: chr9-104806424-C-T. GRCh37 (hg19) VCF-style: chr9-107568705-C-T.
Other names: p.Thr1427=.
Identifiers: ClinVar variation 364402 (VCV000364402.19), dbSNP rs2066716, ClinGen allele CA5168175.

ClinVar aggregate classification (germline): Benign/Likely benign. Review status: criteria provided, multiple submitters, no conflicts (2 of 4 stars). 8 submissions from 7 submitters: Benign (7); Likely benign (1). Last evaluated 2026-02-04.

Conditions:
Tangier disease (TGD). Also called: HIGH DENSITY LIPOPROTEIN DEFICIENCY, TANGIER TYPE; HIGH DENSITY LIPOPROTEIN DEFICIENCY, TYPE 1; Cholesterol thesaurismosis. Identifiers: Orphanet 31150, MedGen C0039292, MONDO:0008783, OMIM 205400.
Cardiovascular phenotype. Identifiers: MedGen CN230736.
Hypoalphalipoproteinemia, primary, 1. Identifiers: Orphanet 425, MedGen C5231558, MONDO:0011393, OMIM 604091.

Allele frequency attached by ClinVar (database versions not stated): ESP Exome Variant Server 0.07227; gnomAD 0.08340 and 0.08670; TOPMed 0.09945; ExAC 0.10741; gnomAD exomes 0.11437; 1000 Genomes Project 30x 0.12820; 1000 Genomes Project 0.12979.
gnomAD v4.1: 146,428 of 1,613,794 alleles (9.1%); highest among the groups gnomAD compares: East Asian, 29%; 8,648 homozygotes.

Submissions (8):

Labcorp Genetics (formerly Invitae), Labcorp
Classification: Benign. Last evaluated: 2026-02-04. Review status: criteria provided, single submitter. Criteria: Invitae Variant Classification Sherloc (09022015). Collection method: clinical testing. Allele origin: germline.

Blueprint Genetics
Classification: Likely benign. Last evaluated: 2024-11-27. Review status: criteria provided, single submitter. Criteria: ACMG Guidelines, 2015. Collection method: clinical testing. Allele origin: germline.

Ambry Genetics
Classification: Benign for Cardiovascular phenotype. Last evaluated: 2019-03-21. Review status: criteria provided, single submitter. Criteria: Ambry Variant Classification Scheme 2023. Collection method: clinical testing. Allele origin: germline.

GeneDx
Classification: Benign. Last evaluated: 2018-10-26. Review status: criteria provided, single submitter. Criteria: GeneDx Variant Classification Process June 2021. Collection method: clinical testing. Allele origin: germline. Affected: yes.

Illumina Laboratory Services, Illumina
Classification: Benign for Hypoalphalipoproteinemia, primary, 1. Last evaluated: 2018-01-12. Review status: criteria provided, single submitter. Criteria: ICSL Variant Classification Criteria 13 December 2019. Collection method: clinical testing. Allele origin: germline.
Comment: This variant was observed in the ICSL laboratory as part of a predisposition screen in an ostensibly healthy population. It had not been previously curated by ICSL or reported in the Human Gene Mutation Database (HGMD: prior to June 1st, 2018), and was therefore a candidate for classification through an automated scoring system. Utilizing variant allele frequency, disease prevalence and penetrance estimates, and inheritance mode, an automated score was calculated to assess if this variant is too frequent to cause the disease. Based on the score and internal cut-off values, a variant classified as benign is not then subjected to further curation. The score for this variant resulted in a classification of benign for this disease.

Illumina Laboratory Services, Illumina
Classification: Benign for Tangier disease. Last evaluated: 2018-01-12. Review status: criteria provided, single submitter. Criteria: ICSL Variant Classification Criteria 13 December 2019. Collection method: clinical testing. Allele origin: germline.
Comment: the same text as in the submission from Illumina Laboratory Services, Illumina above.

Mayo Clinic Laboratories, Mayo Clinic
Classification: Benign. Last evaluated: 2017-08-21. Review status: criteria provided, single submitter. Criteria: ACMG Guidelines, 2015. Collection method: clinical testing. Allele origin: germline. Observed: 242 variant alleles.

Breakthrough Genomics
Classification: Benign. Review status: criteria provided, single submitter. Criteria: ACMG Guidelines, 2015. Collection method: not provided. Allele origin: germline. Inheritance: Autosomal recessive inheritance. Affected: yes.